The following is an entry in ClinVar:

NM_130797.4(DPP6):c.628-9C>T

Gene: DPP6 (dipeptidyl peptidase like 6; plus strand). Cytogenetic location: 7q36.2.
Variant type: single nucleotide variant.
Coding change: c.628-9C>T on transcript NM_130797.4 (MANE Select); 9 bases into the intron before coding-DNA position 628, C replaced by T.
Molecular consequence: intron variant.
Genome position (GRCh38, 1-based): chr7:154,637,812, C>T. VCF-style: chr7-154637812-C-T. GRCh37 (hg19) VCF-style: chr7-154429522-C-T.
Other names: c.445-9C>T (NM_001364500.2, NM_001364499.2, NM_001364497.2 and 1 more transcripts); c.436-9C>T (NM_001364501.2, NM_001039350.3); c.442-9C>T (NM_001936.5); c.441+70896C>T (NM_001290252.2).
Identifiers: ClinVar variation 3352805 (VCV003352805.1).

ClinVar aggregate classification (germline): Likely benign (0 of 4 stars; one submission).

Conditions:
DPP6-related disorder. Also called: DPP6-related condition.

Submission:

PreventionGenetics, part of Exact Sciences
Classification: Likely benign for DPP6-related condition. Last evaluated: 2024-07-29. Review status: no assertion criteria provided. Collection method: clinical testing. Allele origin: germline.
Comment: This variant is classified as likely benign based on ACMG/AMP sequence variant interpretation guidelines (Richards et al. 2015 PMID: 25741868, with internal and published modifications).